The following is an entry in ClinVar:

ClinVar aggregate classification (germline): Uncertain significance (1 of 4 stars; one submission).

gnomAD v4.1: 3 of 1,613,542 alleles (0.00019%); highest among the groups gnomAD compares: Non-Finnish European, 0.00025%; no homozygotes.

Submission:

Labcorp Genetics (formerly Invitae), Labcorp
Classification: Uncertain significance. Last evaluated: 2026-01-07. Review status: criteria provided, single submitter. Criteria: Invitae Variant Classification Sherloc (09022015). Collection method: clinical testing. Allele origin: germline.
Comment: This sequence change replaces threonine, which is neutral and polar, with isoleucine, which is neutral and non-polar, at codon 186 of the FZD4 protein (p.Thr186Ile). This variant is present in population databases (no rsID available, gnomAD 0.007%). This variant has not been reported in the literature in individuals affected with FZD4-related conditions. ClinVar contains an entry for this variant (Variation ID: 3681774). Invitae Evidence Modeling of protein sequence and biophysical properties (such as structural, functional, and spatial information, amino acid conservation, physicochemical variation, residue mobility, and thermodynamic stability) indicates that this missense variant is not expected to disrupt FZD4 protein function with a negative predictive value of 80%. In summary, the available evidence is currently insufficient to determine the role of this variant in disease. Therefore, it has been classified as a Variant of Uncertain Significance.

NM_012193.4(FZD4):c.557C>T (p.Thr186Ile)

Genes: FZD4 (frizzled class receptor 4; minus strand), PRSS23 (serine protease 23; plus strand). Cytogenetic location: 11q14.2.
Variant type: single nucleotide variant.
Coding change: c.557C>T on transcript NM_012193.4 (MANE Select); coding-DNA position 557, C replaced by T.
Protein change: p.Thr186Ile; replaces threonine 186 with isoleucine.
Molecular consequence: missense variant. On other transcripts: non-coding transcript variant (2).
Genome position (GRCh38, 1-based): chr11:86,952,199, G>A on the plus strand (C>T on the coding strand, the complement: FZD4 is on the minus strand). VCF-style: chr11-86952199-G-A. GRCh37 (hg19) VCF-style: chr11-86663241-G-A.
Other names: short protein forms T186I.
Identifiers: ClinVar variation 3681774 (VCV003681774.2).